The following is an entry in ClinVar:

NM_000170.3(GLDC):c.960T>G (p.Phe320Leu)

Gene: GLDC (glycine decarboxylase; minus strand). Cytogenetic location: 9p24.1.
Variant type: single nucleotide variant.
Coding change: c.960T>G on transcript NM_000170.3 (MANE Select); coding-DNA position 960, T replaced by G.
Protein change: p.Phe320Leu; replaces phenylalanine 320 with leucine.
Molecular consequence: missense variant.
Genome position (GRCh38, 1-based): chr9:6,604,686, A>C on the plus strand (T>G on the coding strand, the complement: GLDC is on the minus strand). VCF-style: chr9-6604686-A-C. GRCh37 (hg19) VCF-style: chr9-6604686-A-C.
Other names: short protein forms F320L.
Identifiers: ClinVar variation 1440017 (VCV001440017.5), dbSNP rs771868469, ClinGen allele CA4980912.

ClinVar aggregate classification (germline): Uncertain significance (1 of 4 stars; one submission).

Conditions:
Glycine encephalopathy. Also called: Non-ketotic hyperglycinemia; Nonketotic hyperglycinemia. Identifiers: Orphanet 407, MedGen C0751748, MONDO:0011612, HP:0008288.

Allele frequency attached by ClinVar (database versions not stated): gnomAD exomes below 0.00001 and 0.00002; ExAC 0.00001; gnomAD 0.00005 and 0.00006; TOPMed 0.00005.
gnomAD v4.1: 12 of 1,614,020 alleles (0.00074%); highest among the groups gnomAD compares: African/African-American, 0.015%; no homozygotes.

Submission:

Labcorp Genetics (formerly Invitae), Labcorp
Classification: Uncertain significance for Glycine encephalopathy. Last evaluated: 2022-06-09. Review status: criteria provided, single submitter. Criteria: Invitae Variant Classification Sherloc (09022015). Collection method: clinical testing. Allele origin: germline.
Comment: This sequence change replaces phenylalanine, which is neutral and non-polar, with leucine, which is neutral and non-polar, at codon 320 of the GLDC protein (p.Phe320Leu). This variant is present in population databases (rs771868469, gnomAD 0.03%). This variant has not been reported in the literature in individuals affected with GLDC-related conditions. Advanced modeling of protein sequence and biophysical properties (such as structural, functional, and spatial information, amino acid conservation, physicochemical variation, residue mobility, and thermodynamic stability) performed at Invitae indicates that this missense variant is not expected to disrupt GLDC protein function. In summary, the available evidence is currently insufficient to determine the role of this variant in disease. Therefore, it has been classified as a Variant of Uncertain Significance.